The following is an entry in ClinVar:

NM_000393.5(COL5A2):c.3599G>T (p.Gly1200Val)

Gene: COL5A2 (collagen type V alpha 2 chain; minus strand). Cytogenetic location: 2q32.2.
Variant type: single nucleotide variant.
Coding change: c.3599G>T on transcript NM_000393.5 (MANE Select); coding-DNA position 3599, G replaced by T.
Protein change: p.Gly1200Val; replaces glycine 1200 with valine.
Molecular consequence: missense variant.
Genome position (GRCh38, 1-based): chr2:189,041,620, C>A on the plus strand (G>T on the coding strand, the complement: COL5A2 is on the minus strand). VCF-style: chr2-189041620-C-A. GRCh37 (hg19) VCF-style: chr2-189906346-C-A.
Other names: short protein forms G1200V.
Identifiers: ClinVar variation 1016156 (VCV001016156.10), dbSNP rs1685564185, ClinGen allele CA349859680.

ClinVar aggregate classification (germline): Uncertain significance (1 of 4 stars; one submission).

Conditions:
Ehlers-Danlos syndrome, classic type, 1 (EDSCL1). Also called: EHLERS-DANLOS SYNDROME, GRAVIS TYPE; EHLERS-DANLOS SYNDROME, SEVERE CLASSIC TYPE; EDS I; Ehlers-Danlos Syndrome, Classic Type, COL5A1-Related; Ehlers-Danlos syndrome, type 1. Identifiers: MedGen C0268335, MONDO:0019567, OMIM 130000.

Submission:

Labcorp Genetics (formerly Invitae), Labcorp
Classification: Uncertain significance for Ehlers-Danlos syndrome, classic type, 1. Last evaluated: 2020-10-10. Review status: criteria provided, single submitter. Criteria: Invitae Variant Classification Sherloc (09022015). Collection method: clinical testing. Allele origin: germline.
Comment: In summary, the available evidence is currently insufficient to determine the role of this variant in disease. Therefore, it has been classified as a Variant of Uncertain Significance. Advanced modeling of protein sequence and biophysical properties (such as structural, functional, and spatial information, amino acid conservation, physicochemical variation, residue mobility, and thermodynamic stability) performed at Invitae indicates that this missense variant is expected to disrupt COL5A2 protein function. This variant has not been reported in the literature in individuals with COL5A2-related conditions. This variant is not present in population databases (ExAC no frequency). This sequence change replaces glycine with valine at codon 1200 of the COL5A2 protein (p.Gly1200Val). The glycine residue is highly conserved and there is a moderate physicochemical difference between glycine and valine.